The following is an entry in ClinVar:

ClinVar aggregate classification (germline): Uncertain significance (1 of 4 stars; one submission).

Conditions:
Inborn genetic diseases. Identifiers: MedGen C0950123, MeSH D030342.

gnomAD v4.1: 2 of 1,521,272 alleles (0.00013%); highest among the groups gnomAD compares: Admixed American, 0.004%; no homozygotes.

Submission:

Ambry Genetics
Classification: Uncertain significance for Inborn genetic diseases. Last evaluated: 2025-11-25. Review status: criteria provided, single submitter. Criteria: Ambry Variant Classification Scheme 2023. Collection method: clinical testing. Allele origin: germline.
Comment: The p.A1250T variant (also known as c.3748G>A), located in coding exon 27 of the LTBP3 gene, results from a G to A substitution at nucleotide position 3748. The alanine at codon 1250 is replaced by threonine, an amino acid with similar properties. This amino acid position is conserved. In addition, this alteration is predicted to be tolerated by in silico analysis. Based on the available evidence, the clinical significance of this variant remains unclear.

NM_001130144.3(LTBP3):c.3748G>A (p.Ala1250Thr)

Gene: LTBP3 (latent transforming growth factor beta binding protein 3; minus strand). Cytogenetic location: 11q13.1.
Variant type: single nucleotide variant.
Coding change: c.3748G>A on transcript NM_001130144.3 (MANE Select); coding-DNA position 3748, G replaced by A.
Protein change: p.Ala1250Thr; replaces alanine 1250 with threonine.
Molecular consequence: missense variant.
Genome position (GRCh38, 1-based): chr11:65,539,340, C>T on the plus strand (G>A on the coding strand, the complement: LTBP3 is on the minus strand). VCF-style: chr11-65539340-C-T. GRCh37 (hg19) VCF-style: chr11-65306811-C-T.
Other names: c.3256G>A, p.Ala1086Thr (NM_001164266.1); c.3607G>A, p.Ala1203Thr (NM_021070.4); short protein forms A1086T, A1203T, A1250T.
Identifiers: ClinVar variation 4624014 (VCV004624014.1).